The following is an entry in ClinVar:

ClinVar aggregate classification (germline): Uncertain significance. Review status: criteria provided, multiple submitters, no conflicts (2 of 4 stars). 3 submissions from 3 submitters: Uncertain significance (3). Last evaluated 2025-08-12.

Conditions:
Neurodevelopmental disorder with epilepsy, cataracts, feeding difficulties, and delayed brain myelination (NECFM). Identifiers: Orphanet 500545, MedGen C4479333, MONDO:0044306, OMIM 617393.
Inborn genetic diseases. Identifiers: MedGen C0950123, MeSH D030342.

Allele frequency attached by ClinVar (database versions not stated): TOPMed below 0.00001; gnomAD 0.00001.
gnomAD v4.1: 6 of 1,613,988 alleles (0.00037%); highest among the groups gnomAD compares: African/African-American, 0.0013%; no homozygotes.

Submissions (3):

Ambry Genetics
Classification: Uncertain significance for Inborn genetic diseases. Last evaluated: 2025-08-12. Review status: criteria provided, single submitter. Criteria: Ambry Variant Classification Scheme 2023. Collection method: clinical testing. Allele origin: germline.

Labcorp Genetics (formerly Invitae), Labcorp
Classification: Uncertain significance. Last evaluated: 2024-03-02. Review status: criteria provided, single submitter. Criteria: Invitae Variant Classification Sherloc (09022015). Collection method: clinical testing. Allele origin: germline.
Comment: This sequence change replaces arginine, which is basic and polar, with tryptophan, which is neutral and slightly polar, at codon 335 of the NACC1 protein (p.Arg335Trp). This variant is present in population databases (no rsID available, gnomAD 0.01%). This variant has not been reported in the literature in individuals affected with NACC1-related conditions. ClinVar contains an entry for this variant (Variation ID: 1393113). Advanced modeling of protein sequence and biophysical properties (such as structural, functional, and spatial information, amino acid conservation, physicochemical variation, residue mobility, and thermodynamic stability) performed at Invitae indicates that this missense variant is not expected to disrupt NACC1 protein function with a negative predictive value of 80%. In summary, the available evidence is currently insufficient to determine the role of this variant in disease. Therefore, it has been classified as a Variant of Uncertain Significance.

Revvity Omics, Revvity
Classification: Uncertain significance for Neurodevelopmental disorder with epilepsy, cataracts, feeding difficulties, and delayed brain myelination. Last evaluated: 2022-11-23. Review status: criteria provided, single submitter. Criteria: ACMG Guidelines, 2015. Collection method: clinical testing. Allele origin: germline.

NM_052876.4(NACC1):c.1003C>T (p.Arg335Trp)

Gene: NACC1 (nucleus accumbens associated 1; plus strand). Cytogenetic location: 19p13.13.
Variant type: single nucleotide variant.
Coding change: c.1003C>T on transcript NM_052876.4 (MANE Select); coding-DNA position 1003, C replaced by T.
Protein change: p.Arg335Trp; replaces arginine 335 with tryptophan.
Molecular consequence: missense variant.
Genome position (GRCh38, 1-based): chr19:13,136,288, C>T. VCF-style: chr19-13136288-C-T. GRCh37 (hg19) VCF-style: chr19-13247102-C-T.
Other names: c.1003C>T (NM_052876.2); short protein forms R335W.
Identifiers: ClinVar variation 1393113 (VCV001393113.11), dbSNP rs1409088491, ClinGen allele CA404327290.